The following is an entry in ClinVar:

NM_001386298.1(CIC):c.7470G>A (p.Ser2490=)

Gene: CIC (capicua transcriptional repressor; plus strand). Cytogenetic location: 19q13.2.
Variant type: single nucleotide variant.
Coding change: c.7470G>A on transcript NM_001386298.1 (MANE Select); coding-DNA position 7470, G replaced by A.
Protein change: p.Ser2490=; no amino-acid change (serine 2490 retained).
Molecular consequence: synonymous variant.
Genome position (GRCh38, 1-based): chr19:42,295,107, G>A. VCF-style: chr19-42295107-G-A. GRCh37 (hg19) VCF-style: chr19-42799259-G-A.
Other names: c.7470G>A, p.Ser2490= (NM_001304815.2); c.7467G>A, p.Ser2489= (NM_001379480.1, NM_001379482.1, NM_001379483.1); c.4737G>A, p.Ser1579= (NM_001379484.1); c.4734G>A, p.Ser1578= (NM_001379485.1); c.4743G>A, p.Ser1581= (NM_015125.5).
Identifiers: ClinVar variation 2650024 (VCV002650024.25), dbSNP rs949398192, ClinGen allele CA308636707.

ClinVar aggregate classification (germline): Likely benign. Review status: criteria provided, single submitter (1 of 4 stars). 2 submissions from 2 submitters: Likely benign (1). 1 of the submissions does not count toward it. Last evaluated 2026-03-01.

Conditions:
CIC-related disorder. Also called: CIC-related condition.

Allele frequency attached by ClinVar (database versions not stated): TOPMed 0.00004.
gnomAD v4.1: 51 of 1,524,126 alleles (0.0033%); highest among the groups gnomAD compares: Non-Finnish European, 0.0039%; no homozygotes.

Submissions (2):

CeGaT Center for Human Genetics Tuebingen
Classification: Likely benign. Last evaluated: 2026-03-01. Review status: criteria provided, single submitter. Criteria: CeGaT Center For Human Genetics Tuebingen Variant Classification Criteria Version 2. Collection method: clinical testing. Allele origin: germline. Affected: yes. Observed: 3 variant alleles.
Comment: CIC: BP4, BP7

PreventionGenetics, part of Exact Sciences
Classification: Likely benign for CIC-related condition. Last evaluated: 2020-11-10. Review status: no assertion criteria provided. Collection method: clinical testing. Allele origin: germline. Not counted in ClinVar's aggregate classification.
Comment: This variant is classified as likely benign based on ACMG/AMP sequence variant interpretation guidelines (Richards et al. 2015 PMID: 25741868, with internal and published modifications).